The following is an entry in ClinVar:

NM_004960.3(FUS):c.*491T>G

Gene: FUS (FUS DNA/RNA binding protein; plus strand). Cytogenetic location: 16p11.2.
Variant type: single nucleotide variant.
Coding change: c.*491T>G on transcript NM_004960.3; 491 bases downstream of the stop codon, T replaced by G.
Molecular consequence: 3 prime UTR variant (on NM_001170634.1). On other transcripts: non-coding transcript variant (1).
Genome position (GRCh38, 1-based): chr16:31,191,929, T>G. VCF-style: chr16-31191929-T-G. GRCh37 (hg19) VCF-style: chr16-31203250-T-G.
Other names: c.*491T>G (NM_001170634.1, NM_001170937.1).
Identifiers: ClinVar variation 319000 (VCV000319000.7), dbSNP rs73530293, ClinGen allele CA8024189.

ClinVar aggregate classification (germline): Benign (1 of 4 stars; one submission).

Conditions:
Amyotrophic lateral sclerosis type 6. Also called: FUS-Related Amyotrophic Laterial Sclerosis; AMYOTROPHIC LATERAL SCLEROSIS 6 WITHOUT FRONTOTEMPORAL DEMENTIA; Amyotrophic lateral sclerosis 6, with or without frontotemporal dementia. Identifiers: Orphanet 275872, Orphanet 803, MedGen C2931786, MONDO:0011951, OMIM 608030.

Allele frequency attached by ClinVar (database versions not stated): gnomAD 0.03268 and 0.03090; 1000 Genomes Project 0.03275; TOPMed 0.03359; 1000 Genomes Project 30x 0.03498; ExAC 0.00835.
gnomAD v4.1: 7,445 of 534,676 alleles (1.4%); highest among the groups gnomAD compares: African/African-American, 9.8%; 296 homozygotes.

Submission:

Illumina Laboratory Services, Illumina
Classification: Benign for Amyotrophic lateral sclerosis type 6. Last evaluated: 2018-01-13. Review status: criteria provided, single submitter. Criteria: ICSL Variant Classification Criteria 13 December 2019. Collection method: clinical testing. Allele origin: germline.
Comment: This variant was observed in the ICSL laboratory as part of a predisposition screen in an ostensibly healthy population. It had not been previously curated by ICSL or reported in the Human Gene Mutation Database (HGMD: prior to June 1st, 2018), and was therefore a candidate for classification through an automated scoring system. Utilizing variant allele frequency, disease prevalence and penetrance estimates, and inheritance mode, an automated score was calculated to assess if this variant is too frequent to cause the disease. Based on the score and internal cut-off values, a variant classified as benign is not then subjected to further curation. The score for this variant resulted in a classification of benign for this disease.